The following is an entry in ClinVar:

NM_172364.5(CACNA2D4):c.1563G>A (p.Thr521=)

Gene: CACNA2D4 (calcium voltage-gated channel auxiliary subunit alpha2delta 4; minus strand). Cytogenetic location: 12p13.33.
Variant type: single nucleotide variant.
Coding change: c.1563G>A on transcript NM_172364.5 (MANE Select); coding-DNA position 1563, G replaced by A.
Protein change: p.Thr521=; no amino-acid change (threonine 521 retained).
Molecular consequence: synonymous variant.
Genome position (GRCh38, 1-based): chr12:1,879,804, C>T on the plus strand (G>A on the coding strand, the complement: CACNA2D4 is on the minus strand). VCF-style: chr12-1879804-C-T. GRCh37 (hg19) VCF-style: chr12-1988970-C-T.
Identifiers: ClinVar variation 307859 (VCV000307859.16), dbSNP rs11062013, ClinGen allele CA6387092.

ClinVar aggregate classification (germline): Likely benign. Review status: criteria provided, multiple submitters, no conflicts (2 of 4 stars). 4 submissions from 4 submitters: Likely benign (3). 1 of the submissions does not count toward it. Last evaluated 2026-01-26.

Conditions:
Retinal cone dystrophy 4 (RCD4). Identifiers: Orphanet 1872, MedGen C1864849, MONDO:0012507, OMIM 610478.
CACNA2D4-related disorder. Also called: CACNA2D4-related condition.

Allele frequency attached by ClinVar (database versions not stated): gnomAD 0.00014 and 0.00023; TOPMed 0.00035; gnomAD exomes 0.00047; ExAC 0.00082; 1000 Genomes Project 30x 0.00094; 1000 Genomes Project 0.00120.
gnomAD v4.1: 328 of 1,596,710 alleles (0.021%); highest among the groups gnomAD compares: East Asian, 0.49%; 3 homozygotes.

Submissions (4):

Labcorp Genetics (formerly Invitae), Labcorp
Classification: Likely benign. Last evaluated: 2026-01-26. Review status: criteria provided, single submitter. Criteria: Invitae Variant Classification Sherloc (09022015). Collection method: clinical testing. Allele origin: germline.

Blueprint Genetics
Classification: Likely benign. Last evaluated: 2023-06-09. Review status: criteria provided, single submitter. Criteria: ACMG Guidelines, 2015. Collection method: clinical testing. Allele origin: germline.

Illumina Laboratory Services, Illumina
Classification: Likely benign for Retinal cone dystrophy 4. Last evaluated: 2018-01-13. Review status: criteria provided, single submitter. Criteria: ICSL Variant Classification Criteria 13 December 2019. Collection method: clinical testing. Allele origin: germline.
Comment: This variant was observed in the ICSL laboratory as part of a predisposition screen in an ostensibly healthy population. It had not been previously curated by ICSL or reported in the Human Gene Mutation Database (HGMD: prior to June 1st, 2018), and was therefore a candidate for classification through an automated scoring system. Utilizing variant allele frequency, disease prevalence and penetrance estimates, and inheritance mode, an automated score was calculated to assess if this variant is too frequent to cause the disease. Based on the score and internal cut-off values, a variant classified as likely benign is not then subjected to further curation. The score for this variant resulted in a classification of likely benign for this disease.

PreventionGenetics, part of Exact Sciences
Classification: Likely benign for CACNA2D4-related condition. Last evaluated: 2020-05-27. Review status: no assertion criteria provided. Collection method: clinical testing. Allele origin: germline. Not counted in ClinVar's aggregate classification.
Comment: This variant is classified as likely benign based on ACMG/AMP sequence variant interpretation guidelines (Richards et al. 2015 PMID: 25741868, with internal and published modifications).